The following is an entry in ClinVar:

NM_012309.5(SHANK2):c.430G>T (p.Val144Leu)

Gene: SHANK2 (SH3 and multiple ankyrin repeat domains 2; minus strand). Cytogenetic location: 11q13.4.
Variant type: single nucleotide variant.
Coding change: c.430G>T on transcript NM_012309.5 (MANE Select); coding-DNA position 430, G replaced by T.
Protein change: p.Val144Leu; replaces valine 144 with leucine.
Molecular consequence: missense variant.
Genome position (GRCh38, 1-based): chr11:71,113,346, C>A on the plus strand (G>T on the coding strand, the complement: SHANK2 is on the minus strand). VCF-style: chr11-71113346-C-A. GRCh37 (hg19) VCF-style: chr11-70824392-C-A.
Other names: short protein forms V144L.
Identifiers: ClinVar variation 3360366 (VCV003360366.1).

ClinVar aggregate classification (germline): Uncertain significance (1 of 4 stars; one submission).

gnomAD v4.1: 26 of 1,551,592 alleles (0.0017%); highest among the groups gnomAD compares: Non-Finnish European, 0.0023%; no homozygotes.

Submission:

GeneDx
Classification: Uncertain significance. Last evaluated: 2023-06-28. Review status: criteria provided, single submitter. Criteria: GeneDx Variant Classification Process June 2021. Collection method: clinical testing. Allele origin: germline. Affected: yes.
Comment: In silico analysis supports that this missense variant has a deleterious effect on protein structure/function; Has not been previously published as pathogenic or benign to our knowledge